The following is an entry in ClinVar:

ClinVar aggregate classification (germline): Conflicting classifications of pathogenicity. Review status: criteria provided, conflicting classifications (1 of 4 stars). 2 submissions from 2 submitters: Uncertain significance (1); Likely benign (1). Last evaluated 2026-08-27.

Conditions:
Hereditary cancer-predisposing syndrome. Also called: Tumor predisposition; Hereditary neoplastic syndrome; Neoplastic Syndromes, Hereditary; Hereditary Cancer Syndrome. Identifiers: Orphanet 140162, MedGen C0027672, MeSH D009386, MONDO:0015356.
Juvenile polyposis syndrome (JPS). Identifiers: Orphanet 2929, MedGen C0345893, MONDO:0017380, OMIM 174900.

Allele frequency attached by ClinVar (database versions not stated): gnomAD exomes below 0.00001.
gnomAD v4.1: 2 of 1,613,514 alleles (0.00012%); highest among the groups gnomAD compares: Admixed American, 0.0017%; no homozygotes.

Submissions (2):

Ambry Genetics
Classification: Likely benign for Hereditary cancer-predisposing syndrome. Last evaluated: 2026-08-27. Review status: criteria provided, single submitter. Criteria: Ambry Variant Classification Scheme 2023. Collection method: clinical testing. Allele origin: germline.

Labcorp Genetics (formerly Invitae), Labcorp
Classification: Uncertain significance for Juvenile polyposis syndrome. Last evaluated: 2024-02-22. Review status: criteria provided, single submitter. Criteria: Invitae Variant Classification Sherloc (09022015). Collection method: clinical testing. Allele origin: germline.
Comment: This sequence change replaces serine, which is neutral and polar, with asparagine, which is neutral and polar, at codon 182 of the BMPR1A protein (p.Ser182Asn). This variant is present in population databases (no rsID available, gnomAD 0.003%). This variant has not been reported in the literature in individuals affected with BMPR1A-related conditions. ClinVar contains an entry for this variant (Variation ID: 825751). Advanced modeling of protein sequence and biophysical properties (such as structural, functional, and spatial information, amino acid conservation, physicochemical variation, residue mobility, and thermodynamic stability) performed at Invitae indicates that this missense variant is not expected to disrupt BMPR1A protein function with a negative predictive value of 80%. In summary, the available evidence is currently insufficient to determine the role of this variant in disease. Therefore, it has been classified as a Variant of Uncertain Significance.

NM_004329.3(BMPR1A):c.545G>A (p.Ser182Asn)

Gene: BMPR1A (bone morphogenetic protein receptor type 1A; plus strand). Cytogenetic location: 10q23.2.
Variant type: single nucleotide variant.
Coding change: c.545G>A on transcript NM_004329.3 (MANE Select); coding-DNA position 545, G replaced by A.
Protein change: p.Ser182Asn; replaces serine 182 with asparagine.
Molecular consequence: missense variant.
Genome position (GRCh38, 1-based): chr10:86,912,254, G>A. VCF-style: chr10-86912254-G-A. GRCh37 (hg19) VCF-style: chr10-88672011-G-A.
Other names: short protein forms S182N.
Identifiers: ClinVar variation 825751 (VCV000825751.8), dbSNP rs1341015567, ClinGen allele CA377454170.
Genomic context (GRCh38, chr10:86,912,254, plus strand): 5'-ATAGTTTTTCATTTTTAATGTAGATTGTTTTCTGCTTTTTTAAAAGACATTATTGCAAGA[G>A]CATCTCAAGCAGACGTCGTTACAATCGTGATTTGGAACAGGATGAAGCATTTATTCCAGT-3'
Protein context (NP_004320.2, residues 172-192): SCFCYKHYCK[Ser182Asn]ISSRRRYNRD